The following is an entry in ClinVar:

NM_000492.4(CFTR):c.270del (p.Glu92fs)

Gene: CFTR (CF transmembrane conductance regulator; plus strand). Cytogenetic location: 7q31.2.
Variant type: Deletion.
Coding change: c.270del on transcript NM_000492.4 (MANE Select); coding-DNA position 270, one base deleted (A; older notation c.270delA).
Protein change: p.Glu92fs; shifts the reading frame from glutamic acid 92.
Molecular consequence: frameshift variant.
Genome position (GRCh38, 1-based): chr7:117,509,139, A deleted. VCF-style (leftmost placement, unchanged base first): chr7-117509138-TA-T. GRCh37 (hg19) VCF-style: chr7-117149192-TA-T.
Other names: c.270delA, p.Glu92Lysfs (NM_000492.3); c.270del (NM_000492.3); short protein forms E92fs.
Identifiers: ClinVar variation 2032311 (VCV002032311.6), dbSNP rs2484975614, ClinGen allele CA2580076315.

ClinVar aggregate classification (germline): Pathogenic/Likely pathogenic. Review status: criteria provided, multiple submitters, no conflicts (2 of 4 stars). 3 submissions from 3 submitters: Pathogenic (2); Likely pathogenic (1). Last evaluated 2026-08-17.

Conditions:
CFTR-related disorder (CFTR-RD). Also called: CFTR-related condition; CFTR-related disorders. Identifiers: MedGen C5924204, MONDO:7770004.
Cystic fibrosis (CF). Also called: MUCOVISCIDOSIS. Identifiers: Orphanet 586, MedGen C0010674, MONDO:0009061, OMIM 219700. Disease mechanism: loss of function.

Submissions (3):

Ambry Genetics
Classification: Pathogenic for Cystic fibrosis. Last evaluated: 2026-08-17. Review status: criteria provided, single submitter. Criteria: Ambry Variant Classification Scheme 2023. Collection method: clinical testing. Allele origin: germline.
Comment: The c.270delA pathogenic mutation, located in coding exon 3 of the CFTR gene, results from a deletion of one nucleotide at nucleotide position 270, causing a translational frameshift with a predicted alternate stop codon (p.E92Kfs*15). This variant is considered to be rare based on population cohorts in the Genome Aggregation Database (gnomAD). This alteration is expected to result in loss of function by premature protein truncation or nonsense-mediated mRNA decay. As such, this alteration is interpreted as a disease-causing mutation.

Natera, Inc.
Classification: Likely pathogenic for CFTR-related disorders. Last evaluated: 2025-09-03. Review status: criteria provided, single submitter. Criteria: Natera Variant Classification Schema (03/2026). Collection method: clinical testing. Allele origin: germline.
Comment: The c.270del variant in CFTR is a frameshift variant predicted to shift the reading frame beginning at codon 92 and leads to a stop codon 15 codons downstream. This variant is expected to result in nonsense mediated decay, truncation, or a dysfunctional protein product. This variant is rare in the general population with a frequency below the threshold expected for the associated phenotype(s). Given the available evidence, this variant is classified as Likely Pathogenic.

Labcorp Genetics (formerly Invitae), Labcorp
Classification: Pathogenic for Cystic fibrosis. Last evaluated: 2022-09-23. Review status: criteria provided, single submitter. Criteria: Invitae Variant Classification Sherloc (09022015). Collection method: clinical testing. Allele origin: germline.
Comment: For these reasons, this variant has been classified as Pathogenic. This variant has not been reported in the literature in individuals affected with CFTR-related conditions. This variant is not present in population databases (gnomAD no frequency). This sequence change creates a premature translational stop signal (p.Glu92Lysfs*15) in the CFTR gene. It is expected to result in an absent or disrupted protein product. Loss-of-function variants in CFTR are known to be pathogenic (PMID: 1695717, 7691345, 9725922).

Literature cited by the submitters: PubMed 1695717 (cited by Labcorp Genetics (formerly Invitae), Labcorp); PubMed 7691345 (cited by Labcorp Genetics (formerly Invitae), Labcorp); PubMed 9725922 (cited by Labcorp Genetics (formerly Invitae), Labcorp).